The following is an entry in ClinVar:

NM_000138.5(FBN1):c.5187G>A (p.Trp1729Ter)

Gene: FBN1 (fibrillin 1; minus strand). Cytogenetic location: 15q21.1.
Variant type: single nucleotide variant.
Coding change: c.5187G>A on transcript NM_000138.5 (MANE Select); coding-DNA position 5187, G replaced by A.
Protein change: p.Trp1729Ter; replaces tryptophan 1729 with a stop codon.
Molecular consequence: nonsense.
Genome position (GRCh38, 1-based): chr15:48,463,119, C>T on the plus strand (G>A on the coding strand, the complement: FBN1 is on the minus strand). VCF-style: chr15-48463119-C-T. GRCh37 (hg19) VCF-style: chr15-48755316-C-T.
Other names: short protein forms W1729*.
Identifiers: ClinVar variation 684761 (VCV000684761.2), dbSNP rs1597545199, ClinGen allele CA392349110.

ClinVar aggregate classification (germline): Pathogenic (1 of 4 stars; one submission).

Conditions:
Marfan syndrome (MFS). Also called: MARFAN SYNDROME, TYPE I; FBN1-Related Marfan Syndrome; Marfan syndrome type 1; Marfan's syndrome; Marfan syndrome, classic. Identifiers: Orphanet 284963, Orphanet 558, MedGen C0024796, MONDO:0007947, OMIM 154700.

Submission:

Petrovsky National Research Centre of Surgery, The Federal Agency for Scientific Organizations
Classification: Pathogenic for Marfan syndrome. Last evaluated: 2019-08-19. Review status: criteria provided, single submitter. Criteria: ACMG Guidelines, 2015. Collection method: clinical testing. Allele origin: unknown. Inheritance: Autosomal dominant inheritance. Affected: yes. Observed: 1 heterozygote.
Comment: The p.Trp1729Ter variant was found in individual with MFS (PMID: 16220557) and is absent from large population studies (ExAC no frequency). Though amino acid annotation in the article study is wrong ("p.Cys1729" instead of "p.Trp1729") the coding position is correct (c.5187G>A). Loss-of-function variants in FBN1 gene are known to be pathogenic (PMID: 17657824, 19293843)(ExAC pLI = 1.00)